The following is an entry in ClinVar:

ClinVar aggregate classification (germline): Benign (1 of 4 stars; one submission).

Allele frequency attached by ClinVar (database versions not stated): gnomAD exomes 0.00487; 1000 Genomes Project 0.02895; 1000 Genomes Project 30x 0.03123; gnomAD 0.03215 and 0.03456; TOPMed 0.03635.
gnomAD v4.1: 9,029 of 951,310 alleles (0.95%); highest among the groups gnomAD compares: African/African-American, 11%; 367 homozygotes.

Submission:

GeneDx
Classification: Benign. Last evaluated: 2018-06-19. Review status: criteria provided, single submitter. Criteria: GeneDx Variant Classification (06012015). Collection method: clinical testing. Allele origin: germline. Affected: yes.
Comment: This variant is considered likely benign or benign based on one or more of the following criteria: it is a conservative change, it occurs at a poorly conserved position in the protein, it is predicted to be benign by multiple in silico algorithms, and/or has population frequency not consistent with disease.

NM_000069.3(CACNA1S):c.398+149A>G

Gene: CACNA1S (calcium voltage-gated channel subunit alpha1 S; minus strand). Cytogenetic location: 1q32.1.
Variant type: single nucleotide variant.
Coding change: c.398+149A>G on transcript NM_000069.3 (MANE Select); 149 bases into the intron after coding-DNA position 398, A replaced by G.
Molecular consequence: intron variant.
Genome position (GRCh38, 1-based): chr1:201,093,733, T>C on the plus strand (A>G on the coding strand, the complement: CACNA1S is on the minus strand). VCF-style: chr1-201093733-T-C. GRCh37 (hg19) VCF-style: chr1-201062861-T-C.
Identifiers: ClinVar variation 680747 (VCV000680747.1), dbSNP rs10920114, ClinGen allele CA10889197.